The following is an entry in ClinVar:

ClinVar aggregate classification (germline): Uncertain significance (1 of 4 stars; one submission).

Submission:

GeneDx
Classification: Uncertain significance. Last evaluated: 2024-01-03. Review status: criteria provided, single submitter. Criteria: GeneDx Variant Classification Process June 2021. Collection method: clinical testing. Allele origin: germline. Affected: yes.
Comment: In silico analysis supports that this missense variant has a deleterious effect on protein structure/function; Has not been previously published as pathogenic or benign to our knowledge

NM_001375524.1(TRRAP):c.6745C>T (p.Leu2249Phe)

Gene: TRRAP (transformation/transcription domain associated protein; plus strand). Cytogenetic location: 7q22.1.
Variant type: single nucleotide variant.
Coding change: c.6745C>T on transcript NM_001375524.1 (MANE Select); coding-DNA position 6745, C replaced by T.
Protein change: p.Leu2249Phe; replaces leucine 2249 with phenylalanine.
Molecular consequence: missense variant.
Genome position (GRCh38, 1-based): chr7:98,962,343, C>T. VCF-style: chr7-98962343-C-T. GRCh37 (hg19) VCF-style: chr7-98559966-C-T.
Other names: c.6724C>T, p.Leu2242Phe (NM_001244580.2); c.6670C>T, p.Leu2224Phe (NM_003496.4); short protein forms L2224F, L2242F, L2249F.
Identifiers: ClinVar variation 3365276 (VCV003365276.1).